The following is an entry in ClinVar:

NM_004006.3(DMD):c.10307G>T (p.Arg3436Leu)

Gene: DMD (dystrophin; minus strand). Cytogenetic location: Xp21.2.
Variant type: single nucleotide variant.
Coding change: c.10307G>T on transcript NM_004006.3 (MANE Select); coding-DNA position 10307, G replaced by T.
Protein change: p.Arg3436Leu; replaces arginine 3436 with leucine.
Molecular consequence: missense variant. On other transcripts: intron variant (2).
Genome position (GRCh38, 1-based): chrX:31,173,560, C>A on the plus strand (G>T on the coding strand, the complement: DMD is on the minus strand). VCF-style: chrX-31173560-C-A. GRCh37 (hg19) VCF-style: chrX-31191677-C-A.
Other names: p.Arg3436Leu; c.10283G>T, p.Arg3428Leu (NM_000109.4); c.10295G>T, p.Arg3432Leu (NM_004009.3); c.9938G>T, p.Arg3313Leu (NM_004010.3); c.6284G>T, p.Arg2095Leu (NM_004011.4); c.6275G>T, p.Arg2092Leu (NM_004012.4); c.2927G>T, p.Arg976Leu (NM_004013.3, NM_004021.3); c.2120G>T, p.Arg707Leu (NM_004014.3); and 4 more; short protein forms R976L, R2092L, R2095L, R3313L, R3428L, R3432L, R3436L, R355L.
Identifiers: ClinVar variation 4538946 (VCV004538946.2).
Genomic context (GRCh38, chrX:31,173,560, plus strand): 5'-TTCAATCAATATTTGCCTGGCATACAACTAGTCTCATACCTGCTAGCATAATGTTCAATG[C>A]GTGAATGAGTATCATCGTGTGAAAGCTGAGGGGACGAGGCAGGCCTATAAGGCAGAAAAT-3'
Protein context (NP_003997.2, residues 3426-3446): PQLSHDDTHS[Arg3436Leu]IEHYASRLAE

ClinVar aggregate classification (germline): Uncertain significance. Review status: criteria provided, multiple submitters, no conflicts (2 of 4 stars). 3 submissions from 3 submitters: Uncertain significance (3). Last evaluated 2025-10-21.

Conditions:
Cardiovascular phenotype. Identifiers: MedGen CN230736.

gnomAD v4.1: 2 of 1,208,426 alleles (0.00017%); highest among the groups gnomAD compares: East Asian, 0.003%; no homozygotes.

Submissions (3):

Ambry Genetics
Classification: Uncertain significance for Cardiovascular phenotype. Last evaluated: 2025-10-21. Review status: criteria provided, single submitter. Criteria: Ambry Variant Classification Scheme 2023. Collection method: clinical testing. Allele origin: germline.
Comment: The p.R3436L variant (also known as c.10307G>T), located in coding exon 72 of the DMD gene, results from a G to T substitution at nucleotide position 10307. The arginine at codon 3436 is replaced by leucine, an amino acid with dissimilar properties. This amino acid position is highly conserved in available vertebrate species. In addition, this alteration is predicted to be deleterious by in silico analysis. Based on the available evidence, the clinical significance of this variant remains unclear.

GeneDx
Classification: Uncertain significance. Last evaluated: 2025-06-20. Review status: criteria provided, single submitter. Criteria: GeneDx Variant Classification Process June 2021. Collection method: clinical testing. Allele origin: germline. Affected: yes.
Comment: Not observed at significant frequency in large population cohorts (gnomAD); In silico analysis supports that this missense variant has a deleterious effect on protein structure/function; Has not been previously published as pathogenic or benign to our knowledge

Mayo Clinic Laboratories, Mayo Clinic
Classification: Uncertain significance. Last evaluated: 2025-02-03. Review status: criteria provided, single submitter. Criteria: ACMG Guidelines, 2015. Collection method: clinical testing. Allele origin: germline. Observed: 1 variant allele.
Comment: PP3_moderate, PM2_supporting